The following is an entry in ClinVar:

ClinVar aggregate classification (germline): Uncertain significance (1 of 4 stars; one submission).

gnomAD v4.1: 72 of 1,614,072 alleles (0.0045%); highest among the groups gnomAD compares: Non-Finnish European, 0.0054%; no homozygotes.

Submission:

Labcorp Genetics (formerly Invitae), Labcorp
Classification: Uncertain significance. Last evaluated: 2024-12-15. Review status: criteria provided, single submitter. Criteria: Invitae Variant Classification Sherloc (09022015). Collection method: clinical testing. Allele origin: germline.
Comment: This sequence change replaces serine, which is neutral and polar, with leucine, which is neutral and non-polar, at codon 733 of the ARID1A protein (p.Ser733Leu). This variant is present in population databases (rs757025491, gnomAD 0.005%). This variant has not been reported in the literature in individuals affected with ARID1A-related conditions. Invitae Evidence Modeling of protein sequence and biophysical properties (such as structural, functional, and spatial information, amino acid conservation, physicochemical variation, residue mobility, and thermodynamic stability) has been performed for this missense variant. However, the output from this modeling did not meet the statistical confidence thresholds required to predict the impact of this variant on ARID1A protein function. In summary, the available evidence is currently insufficient to determine the role of this variant in disease. Therefore, it has been classified as a Variant of Uncertain Significance.

NM_006015.6(ARID1A):c.2198C>T (p.Ser733Leu)

Gene: ARID1A (AT-rich interaction domain 1A; plus strand). Cytogenetic location: 1p36.11.
Variant type: single nucleotide variant.
Coding change: c.2198C>T on transcript NM_006015.6 (MANE Select); coding-DNA position 2198, C replaced by T.
Protein change: p.Ser733Leu; replaces serine 733 with leucine.
Molecular consequence: missense variant.
Genome position (GRCh38, 1-based): chr1:26,761,420, C>T. VCF-style: chr1-26761420-C-T. GRCh37 (hg19) VCF-style: chr1-27087911-C-T.
Other names: c.2198C>T, p.Ser733Leu (NM_139135.4); short protein forms S733L.
Identifiers: ClinVar variation 3716914 (VCV003716914.2).